The following is an entry in ClinVar:

NM_004380.3(CREBBP):c.5240T>G (p.Leu1747Arg)

Gene: CREBBP (CREB binding lysine acetyltransferase; minus strand). Cytogenetic location: 16p13.3.
Variant type: single nucleotide variant.
Coding change: c.5240T>G on transcript NM_004380.3 (MANE Select); coding-DNA position 5240, T replaced by G.
Protein change: p.Leu1747Arg; replaces leucine 1747 with arginine.
Molecular consequence: missense variant.
Genome position (GRCh38, 1-based): chr16:3,729,807, A>C on the plus strand (T>G on the coding strand, the complement: CREBBP is on the minus strand). VCF-style: chr16-3729807-A-C. GRCh37 (hg19) VCF-style: chr16-3779808-A-C.
Other names: c.5126T>G, p.Leu1709Arg (NM_001079846.1); short protein forms L1709R, L1747R.
Identifiers: ClinVar variation 4531607 (VCV004531607.1).

ClinVar aggregate classification (germline): Likely pathogenic (1 of 4 stars; one submission).

Conditions:
Menke-Hennekam syndrome 1 (MKHK1). Identifiers: MedGen C5193034, MONDO:0020763, OMIM 618332.

Submission:

Victorian Clinical Genetics Services, Murdoch Childrens Research Institute
Classification: Likely pathogenic for Menke-Hennekam syndrome 1. Last evaluated: 2025-10-24. Review status: criteria provided, single submitter. Criteria: ACMG Guidelines, 2015. Collection method: clinical testing. Allele origin: germline. Affected: yes.
Comment: This variant is classified as Likely pathogenic. Evidence in support of pathogenic classification: Variant is absent from gnomAD (v2, v3 and v4); This variant has moderate previous evidence of pathogenicity in unrelated individuals. It has been reported in one de novo individual with features of Menke-Hennekam syndrome (PMID: 27311832); Missense variant predicted to be damaging by in silico tool(s) or highly conserved with a major amino acid change; Additional information: Variant is predicted to result in a missense amino acid change from Leu to Arg; This variant is heterozygous; This gene is associated with autosomal dominant disease; No comparable missense variants have previous evidence for pathogenicity; Variant is not located in an established domain, motif, hotspot or informative constraint region; Loss of function is a known mechanism of disease in this gene and is associated with Menke-Hennekam syndrome 1 (MIM#618332) and Rubinstein-Taybi syndrome 1 (MIM#180849).

Literature cited by the submitters: PubMed 27311832.